The following is an entry in ClinVar:

NM_001184.4(ATR):c.1624A>G (p.Lys542Glu)

Gene: ATR (ATR checkpoint kinase; minus strand). Cytogenetic location: 3q23.
Variant type: single nucleotide variant.
Coding change: c.1624A>G on transcript NM_001184.4 (MANE Select); coding-DNA position 1624, A replaced by G.
Protein change: p.Lys542Glu; replaces lysine 542 with glutamic acid.
Molecular consequence: missense variant.
Genome position (GRCh38, 1-based): chr3:142,559,359, T>C on the plus strand (A>G on the coding strand, the complement: ATR is on the minus strand). VCF-style: chr3-142559359-T-C. GRCh37 (hg19) VCF-style: chr3-142278201-T-C.
Other names: c.1432A>G, p.Lys478Glu (NM_001354579.2); short protein forms K478E, K542E.
Identifiers: ClinVar variation 811254 (VCV000811254.15), dbSNP rs200491706, ClinGen allele CA2650546.

ClinVar aggregate classification (germline): Uncertain significance. Review status: criteria provided, multiple submitters, no conflicts (2 of 4 stars). 5 submissions from 4 submitters: Uncertain significance (5). Last evaluated 2024-11-14.

Conditions:
Seckel syndrome 1 (SCKL1). Also called: MICROCEPHALIC PRIMORDIAL DWARFISM I. Identifiers: Orphanet 808, MedGen C4551474, MONDO:0008869, OMIM 210600.
Familial cutaneous telangiectasia and oropharyngeal predisposition cancer syndrome. Identifiers: Orphanet 313846, MedGen C3281203, MONDO:0013806, OMIM 614564.

Allele frequency attached by ClinVar (database versions not stated): gnomAD 0.00010 and 0.00011; TOPMed 0.00010; ExAC 0.00013; gnomAD exomes 0.00013 and 0.00016; ESP Exome Variant Server 0.00015.
gnomAD v4.1: 250 of 1,613,788 alleles (0.015%); highest among the groups gnomAD compares: Non-Finnish European, 0.019%; no homozygotes.

Submissions (5):

Blueprint Genetics
Classification: Uncertain significance. Last evaluated: 2024-11-14. Review status: criteria provided, single submitter. Criteria: ACMG Guidelines, 2015. Collection method: clinical testing. Allele origin: germline.

Genome-Nilou Lab
Classification: Uncertain significance for Seckel syndrome 1. Last evaluated: 2023-02-08. Review status: criteria provided, single submitter. Criteria: ACMG Guidelines, 2015. Collection method: clinical testing. Allele origin: germline.

Genome-Nilou Lab
Classification: Uncertain significance for Familial cutaneous telangiectasia and oropharyngeal predisposition cancer syndrome. Last evaluated: 2023-02-08. Review status: criteria provided, single submitter. Criteria: ACMG Guidelines, 2015. Collection method: clinical testing. Allele origin: germline.

Labcorp Genetics (formerly Invitae), Labcorp
Classification: Uncertain significance. Last evaluated: 2022-09-12. Review status: criteria provided, single submitter. Criteria: Invitae Variant Classification Sherloc (09022015). Collection method: clinical testing. Allele origin: germline.
Comment: This sequence change replaces lysine, which is basic and polar, with glutamic acid, which is acidic and polar, at codon 542 of the ATR protein (p.Lys542Glu). This variant is present in population databases (rs200491706, gnomAD 0.02%). This variant has not been reported in the literature in individuals affected with ATR-related conditions. ClinVar contains an entry for this variant (Variation ID: 811254). Algorithms developed to predict the effect of missense changes on protein structure and function (SIFT, PolyPhen-2, Align-GVGD) all suggest that this variant is likely to be tolerated. Algorithms developed to predict the effect of sequence changes on RNA splicing suggest that this variant may create or strengthen a splice site. In summary, the available evidence is currently insufficient to determine the role of this variant in disease. Therefore, it has been classified as a Variant of Uncertain Significance.

ARUP Laboratories, Molecular Genetics and Genomics, ARUP Laboratories
Classification: Uncertain significance. Last evaluated: 2019-01-29. Review status: criteria provided, single submitter. Criteria: ARUP Molecular Germline Variant Investigation Process. Collection method: clinical testing. Allele origin: germline.
Comment: The ATR c.1624A>G; p.Lys542Glu variant (rs200491706), to our knowledge, is not reported in the medical literature or gene specific databases. This variant is found in the general population with an overall allele frequency of 0.01% (35/282736 alleles) in the Genome Aggregation Database. The lysine at codon 542 is weakly conserved but computational analyses (SIFT: Damaging, PolyPhen-2: Benign) predict conflicting effects of this variant on protein structure/function. Due to limited information, the clinical significance of this variant is uncertain at this time.